The following is an entry in ClinVar:

NM_002439.5(MSH3):c.585A>G (p.Thr195=)

Gene: MSH3 (mutS homolog 3; plus strand). Cytogenetic location: 5q14.1.
Variant type: single nucleotide variant.
Coding change: c.585A>G on transcript NM_002439.5 (MANE Select); coding-DNA position 585, A replaced by G.
Protein change: p.Thr195=; no amino-acid change (threonine 195 retained).
Molecular consequence: synonymous variant.
Genome position (GRCh38, 1-based): chr5:80,670,102, A>G. VCF-style: chr5-80670102-A-G. GRCh37 (hg19) VCF-style: chr5-79965921-A-G.
Other names: c.585A>G (NM_002439.4, NM_002439.3).
Identifiers: ClinVar variation 1546690 (VCV001546690.10), dbSNP rs2112812114, ClinGen allele CA445158450.
Genomic context (GRCh38, chr5:80,670,102, plus strand): 5'-GAACTTATTATTGTGGTTAATATTTTTAAAACTTTATACATCTTTTGGTTGCCAGGACAC[A>G]ACACTTTTTGATCTCAGTCAGTTTGGATCATCAAATACAAGTCATGAAAATTTACAGAAA-3'
Protein context (NP_002430.3, residues 185-205): DSKRQINQKD[Thr195=]TLFDLSQFGS

ClinVar aggregate classification (germline): Conflicting classifications of pathogenicity. Review status: criteria provided, conflicting classifications (1 of 4 stars). 3 submissions from 3 submitters: Uncertain significance (1); Likely benign (2). Last evaluated 2024-12-31.

Conditions:
Hereditary cancer-predisposing syndrome. Also called: Hereditary neoplastic syndrome; Tumor predisposition; Neoplastic Syndromes, Hereditary; Hereditary Cancer Syndrome. Identifiers: Orphanet 140162, MedGen C0027672, MeSH D009386, MONDO:0015356.

Submissions (3):

Ambry Genetics
Classification: Likely benign for Hereditary cancer-predisposing syndrome. Last evaluated: 2024-12-31. Review status: criteria provided, single submitter. Criteria: Ambry Variant Classification Scheme 2023. Collection method: clinical testing. Allele origin: germline.

Quest Diagnostics Nichols Institute San Juan Capistrano
Classification: Uncertain significance. Last evaluated: 2024-11-20. Review status: criteria provided, single submitter. Criteria: Quest Diagnostics criteria. Collection method: clinical testing. Allele origin: unknown.
Comment: The MSH3 c.585A>G (p.Thr195=) synonymous variant has not been reported in individuals with MSH3-related conditions in the published literature. It also has not been reported in large, multi-ethnic general populations (Genome Aggregation Database). Analysis of this variant using software algorithms for the prediction of the effect of nucleotide changes on splicing yielded predictions that this variant does not affect MSH3 mRNA splicing. Based on the available information, we are unable to determine the clinical significance of this variant.

Labcorp Genetics (formerly Invitae), Labcorp
Classification: Likely benign. Last evaluated: 2021-09-29. Review status: criteria provided, single submitter. Criteria: Invitae Variant Classification Sherloc (09022015). Collection method: clinical testing. Allele origin: germline.